The following is an entry in ClinVar:

ClinVar aggregate classification (germline): Uncertain significance (1 of 4 stars; one submission).

Submission:

Labcorp Genetics (formerly Invitae), Labcorp
Classification: Uncertain significance. Last evaluated: 2024-01-02. Review status: criteria provided, single submitter. Criteria: Invitae Variant Classification Sherloc (09022015). Collection method: clinical testing. Allele origin: germline.
Comment: This sequence change replaces glycine, which is neutral and non-polar, with glutamic acid, which is acidic and polar, at codon 1008 of the KIF11 protein (p.Gly1008Glu). This variant is not present in population databases (gnomAD no frequency). This variant has not been reported in the literature in individuals affected with KIF11-related conditions. An algorithm developed to predict the effect of missense changes on protein structure and function (PolyPhen-2) suggests that this variant is likely to be disruptive. In summary, the available evidence is currently insufficient to determine the role of this variant in disease. Therefore, it has been classified as a Variant of Uncertain Significance.

NM_004523.4(KIF11):c.3023G>A (p.Gly1008Glu)

Gene: KIF11 (kinesin family member 11; plus strand). Cytogenetic location: 10q23.33.
Variant type: single nucleotide variant.
Coding change: c.3023G>A on transcript NM_004523.4 (MANE Select); coding-DNA position 3023, G replaced by A.
Protein change: p.Gly1008Glu; replaces glycine 1008 with glutamic acid.
Molecular consequence: missense variant.
Genome position (GRCh38, 1-based): chr10:92,650,501, G>A. VCF-style: chr10-92650501-G-A. GRCh37 (hg19) VCF-style: chr10-94410258-G-A.
Other names: short protein forms G1008E.
Identifiers: ClinVar variation 2747413 (VCV002747413.3), dbSNP rs2492544405, ClinGen allele CA377806586.